The following is an entry in ClinVar:

ClinVar aggregate classification (germline): Likely benign (1 of 4 stars; one submission).

Conditions:
UROS-related disorder. Also called: UROS-related condition.

gnomAD v4.1: 31 of 1,608,868 alleles (0.0019%); highest among the groups gnomAD compares: Middle Eastern, 0.034%; no homozygotes.

Submission:

PreventionGenetics, part of Exact Sciences
Classification: Likely benign for UROS-related condition. Last evaluated: 2024-12-18. Review status: criteria provided, single submitter. Criteria: ACMG Guidelines, 2015. Collection method: clinical testing. Allele origin: germline.
Comment: This variant is classified as likely benign based on ACMG/AMP sequence variant interpretation guidelines (Richards et al. 2015 PMID: 25741868, with internal and published modifications).

NM_000375.3(UROS):c.741G>A (p.Thr247=)

Gene: UROS (uroporphyrinogen III synthase; minus strand). Cytogenetic location: 10q26.2.
Variant type: single nucleotide variant.
Coding change: c.741G>A on transcript NM_000375.3 (MANE Select); coding-DNA position 741, G replaced by A.
Protein change: p.Thr247=; no amino-acid change (threonine 247 retained).
Molecular consequence: synonymous variant. On other transcripts: non-coding transcript variant (3).
Genome position (GRCh38, 1-based): chr10:125,788,925, C>T on the plus strand (G>A on the coding strand, the complement: UROS is on the minus strand). VCF-style: chr10-125788925-C-T. GRCh37 (hg19) VCF-style: chr10-127477494-C-T.
Other names: c.822G>A, p.Thr274= (NM_001324036.2); c.741G>A, p.Thr247= (NM_001324037.2); c.660G>A, p.Thr220= (NM_001324038.2).
Identifiers: ClinVar variation 4981625 (VCV004981625.1).